The following is an entry in ClinVar:

ClinVar aggregate classification (germline): Likely benign (1 of 4 stars; one submission).

Allele frequency attached by ClinVar (database versions not stated): 1000 Genomes Project 0.00899; ExAC 0.00265; ESP Exome Variant Server 0.00871; 1000 Genomes Project 30x 0.00984; gnomAD exomes 0.00107 and 0.00110; gnomAD 0.01056 and 0.00970.

Submission:

GeneDx
Classification: Likely benign. Last evaluated: 2018-06-12. Review status: criteria provided, single submitter. Criteria: GeneDx Variant Classification (06012015). Collection method: clinical testing. Allele origin: germline. Affected: yes.
Comment: This variant is considered likely benign or benign based on one or more of the following criteria: it is a conservative change, it occurs at a poorly conserved position in the protein, it is predicted to be benign by multiple in silico algorithms, and/or has population frequency not consistent with disease.

NM_000077.5(CDKN2A):c.150+216_150+218del

Gene: CDKN2A (cyclin dependent kinase inhibitor 2A; minus strand). Cytogenetic location: 9p21.3.
Variant type: Deletion.
Coding change: c.150+216_150+218del on transcript NM_000077.5 (MANE Select); bases 216 to 218 of the intron after coding-DNA position 150, 3 bases deleted (ACA; older notation c.150+216_150+218delACA).
Molecular consequence: intron variant. On other transcripts: 3 prime UTR variant (1).
Genome position (GRCh38, 1-based): chr9:21,974,460-21,974,462, TGT deleted on the plus strand (ACA on the coding strand, the reverse complement: CDKN2A is on the minus strand). VCF-style (leftmost placement, unchanged base first): chr9-21974459-CTGT-C. GRCh37 (hg19) VCF-style: chr9-21974458-CTGT-C.
Other names: c.*15_*17del (NM_058197.5); c.-3-3254_-3-3252del (NM_001363763.2); c.194-3254_194-3252del (NM_058195.4); c.150+216_150+218del (NM_001195132.2); c.150+216_150+218delACA (NM_000077.4).
Identifiers: ClinVar variation 670297 (VCV000670297.1), dbSNP rs201820199, ClinGen allele CA5012248.